The following is an entry in ClinVar:

ClinVar aggregate classification (germline): Likely benign (1 of 4 stars; one submission).

Conditions:
MAP1B-related disorder. Also called: MAP1B-related condition.

Submission:

PreventionGenetics, part of Exact Sciences
Classification: Likely benign for MAP1B-related condition. Last evaluated: 2026-07-06. Review status: criteria provided, single submitter. Criteria: ACMG Guidelines, 2015. Collection method: clinical testing. Allele origin: germline.
Comment: This variant is classified as likely benign based on ACMG/AMP sequence variant interpretation guidelines (Richards et al. 2015 PMID: 25741868, with internal and published modifications).

NM_005909.5(MAP1B):c.511-32TTTC[4]

Gene: MAP1B (microtubule associated protein 1B; plus strand). Cytogenetic location: 5q13.2.
Variant type: Microsatellite.
Coding change: c.511-32TTTC[4] on transcript NM_005909.5 (MANE Select); four copies in a row of the 4-base unit TTTC starting at c.511-32.
Molecular consequence: intron variant.
Genome position: GRCh38 VCF-style: chr5-72193833-TTTTC-T. GRCh37 (hg19) VCF-style: chr5-71489660-TTTTC-T.
Other names: c.133-32TTTC[4] (NM_001324255.2).
Identifiers: ClinVar variation 4983720 (VCV004983720.1).